The following is an entry in ClinVar:

NM_001378452.1(ITPR1):c.3542A>G (p.Tyr1181Cys)

Gene: ITPR1 (inositol 1,4,5-trisphosphate receptor type 1; plus strand). Cytogenetic location: 3p26.1.
Variant type: single nucleotide variant.
Coding change: c.3542A>G on transcript NM_001378452.1 (MANE Select); coding-DNA position 3542, A replaced by G.
Protein change: p.Tyr1181Cys; replaces tyrosine 1181 with cysteine.
Molecular consequence: missense variant.
Genome position (GRCh38, 1-based): chr3:4,684,324, A>G. VCF-style: chr3-4684324-A-G. GRCh37 (hg19) VCF-style: chr3-4726008-A-G.
Other names: c.3515A>G, p.Tyr1172Cys (NM_001099952.4); c.3497A>G, p.Tyr1166Cys (NM_001168272.2); c.3470A>G, p.Tyr1157Cys (NM_002222.7); short protein forms Y1157C, Y1166C, Y1172C, Y1181C.
Identifiers: ClinVar variation 4689612 (VCV004689612.1).

ClinVar aggregate classification (germline): Uncertain significance (1 of 4 stars; one submission).

gnomAD v4.1: 1 of 1,612,878 alleles (0.000062%); highest among the groups gnomAD compares: Non-Finnish European, 0.000085%; no homozygotes.

Submission:

Women's Health and Genetics/Laboratory Corporation of America, LabCorp
Classification: Uncertain significance. Last evaluated: 2026-01-06. Review status: criteria provided, single submitter. Criteria: LabCorp Variant Classification Summary - May 2015. Collection method: clinical testing. Allele origin: germline.
Comment: Variant summary: ITPR1 c.3470A>G (p.Tyr1157Cys) results in a non-conservative amino acid change in the encoded protein sequence. Algorithms developed to predict the effect of missense changes on protein structure and function all suggest that this variant is likely to be disruptive. The variant was absent in 247820 control chromosomes. The available data on variant occurrences in the general population are insufficient to allow any conclusion about variant significance. To our knowledge, no occurrence of c.3470A>G in individuals affected with ITPR1-related conditions and no experimental evidence demonstrating its impact on protein function have been reported. No submitters have cited clinical-significance assessments for this variant to ClinVar. Based on the evidence outlined above, the variant was classified as uncertain significance.